The following is an entry in ClinVar:

ClinVar aggregate classification (germline): Uncertain significance (1 of 4 stars; one submission).

Submission:

GeneDx
Classification: Uncertain significance. Last evaluated: 2023-02-18. Review status: criteria provided, single submitter. Criteria: GeneDx Variant Classification Process June 2021. Collection method: clinical testing. Allele origin: germline. Affected: yes.
Comment: Not observed at significant frequency in large population cohorts (gnomAD); In silico analysis supports that this missense variant does not alter protein structure/function; Has not been previously published as pathogenic or benign to our knowledge

NM_000702.4(ATP1A2):c.2948C>T (p.Thr983Ile)

Gene: ATP1A2 (ATPase Na+/K+ transporting subunit alpha 2; plus strand). Cytogenetic location: 1q23.2.
Variant type: single nucleotide variant.
Coding change: c.2948C>T on transcript NM_000702.4 (MANE Select); coding-DNA position 2948, C replaced by T.
Protein change: p.Thr983Ile; replaces threonine 983 with isoleucine.
Molecular consequence: missense variant.
Genome position (GRCh38, 1-based): chr1:160,139,898, C>T. VCF-style: chr1-160139898-C-T. GRCh37 (hg19) VCF-style: chr1-160109688-C-T.
Other names: short protein forms T983I.
Identifiers: ClinVar variation 2576917 (VCV002576917.1), dbSNP rs2524899052, ClinGen allele CA343256021.